The following is an entry in ClinVar:

NM_001614.5(ACTG1):c.847A>G (p.Met283Val)

Gene: ACTG1 (actin gamma 1; minus strand). Cytogenetic location: 17q25.3.
Variant type: single nucleotide variant.
Coding change: c.847A>G on transcript NM_001614.5 (MANE Select); coding-DNA position 847, A replaced by G.
Protein change: p.Met283Val; replaces methionine 283 with valine.
Molecular consequence: missense variant. On other transcripts: non-coding transcript variant (1).
Genome position (GRCh38, 1-based): chr17:81,511,064, T>C on the plus strand (A>G on the coding strand, the complement: ACTG1 is on the minus strand). VCF-style: chr17-81511064-T-C. GRCh37 (hg19) VCF-style: chr17-79478090-T-C.
Other names: c.847A>G, p.Met283Val (NM_001199954.3); short protein forms M283V.
Identifiers: ClinVar variation 546156 (VCV000546156.6), dbSNP rs1555666509, ClinGen allele CA401459335.

ClinVar aggregate classification (germline): Likely pathogenic. Review status: criteria provided, multiple submitters, no conflicts (2 of 4 stars). 2 submissions from 2 submitters: Likely pathogenic (2). Last evaluated 2025-08-14.

Conditions:
Monogenic hearing loss.

Submissions (2):

Genetics Laboratory, Great Ormond Street Hospital NHS Foundation Trust, North Thames Genomic Laboratory Hub
Classification: Likely pathogenic for Monogenic hearing loss. Last evaluated: 2025-08-14. Review status: criteria provided, single submitter. Criteria: ACGS Best Practice Guidelines for Variant Classification in Rare Disease 2024 v1.2. Collection method: clinical testing. Allele origin: germline. Affected: yes.
Comment: PS4_supporting, PM2_moderate, PM5_moderate, PP2_supporting, PS2_supporting

GeneDx
Classification: Likely pathogenic. Last evaluated: 2024-01-10. Review status: criteria provided, single submitter. Criteria: GeneDx Variant Classification Process June 2021. Collection method: clinical testing. Allele origin: germline. Affected: yes.
Comment: Identified in two siblings with sensorineural hearing loss in published literature (PMID: 30622556); Not observed in large population cohorts (gnomAD); In silico analysis supports that this missense variant has a deleterious effect on protein structure/function; Missense variants in this gene are often considered pathogenic (HGMD); This variant is associated with the following publications: (PMID: 30622556)